The following is an entry in ClinVar:

ClinVar aggregate classification (germline): Uncertain significance (1 of 4 stars; one submission).

Submission:

Labcorp Genetics (formerly Invitae), Labcorp
Classification: Uncertain significance. Last evaluated: 2025-11-02. Review status: criteria provided, single submitter. Criteria: Invitae Variant Classification Sherloc (09022015). Collection method: clinical testing. Allele origin: germline.
Comment: This sequence change replaces glycine, which is neutral and non-polar, with alanine, which is neutral and non-polar, at codon 95 of the LTBP4 protein (p.Gly95Ala). This variant is not present in population databases (gnomAD no frequency). This variant has not been reported in the literature in individuals affected with LTBP4-related conditions. An algorithm developed to predict the effect of missense changes on protein structure and function outputs the following: PolyPhen-2: "Not Available". The alanine amino acid residue is found in multiple mammalian species, which suggests that this missense change does not adversely affect protein function. In summary, the available evidence is currently insufficient to determine the role of this variant in disease. Therefore, it has been classified as a Variant of Uncertain Significance.

NM_003573.2(LTBP4):c.284G>C (p.Gly95Ala)

Gene: LTBP4 (latent transforming growth factor beta binding protein 4; plus strand). Cytogenetic location: 19q13.2.
Variant type: single nucleotide variant.
Coding change: c.284G>C on transcript NM_003573.2; coding-DNA position 284, G replaced by C.
Protein change: p.Gly95Ala; replaces glycine 95 with alanine.
Molecular consequence: missense variant.
Genome position (GRCh38, 1-based): chr19:40,600,121, G>C. VCF-style: chr19-40600121-G-C. GRCh37 (hg19) VCF-style: chr19-41106027-G-C.
Other names: c.395G>C, p.Gly132Ala (NM_001042544.1); short protein forms G132A, G95A.
Identifiers: ClinVar variation 4774112 (VCV004774112.1).